The following is an entry in ClinVar:

NM_006904.7(PRKDC):c.6188C>A (p.Thr2063Asn)

Gene: PRKDC (protein kinase, DNA-activated, catalytic subunit; minus strand). Cytogenetic location: 8q11.21.
Variant type: single nucleotide variant.
Coding change: c.6188C>A on transcript NM_006904.7 (MANE Select); coding-DNA position 6188, C replaced by A.
Protein change: p.Thr2063Asn; replaces threonine 2063 with asparagine.
Molecular consequence: missense variant.
Genome position (GRCh38, 1-based): chr8:47,859,630, G>T on the plus strand (C>A on the coding strand, the complement: PRKDC is on the minus strand). VCF-style: chr8-47859630-G-T. GRCh37 (hg19) VCF-style: chr8-48772191-G-T.
Other names: c.6188C>A, p.Thr2063Asn (NM_001081640.2); short protein forms T2063N.
Identifiers: ClinVar variation 1371975 (VCV001371975.6), dbSNP rs747319015, ClinGen allele CA371161150.

ClinVar aggregate classification (germline): Uncertain significance (1 of 4 stars; one submission).

Conditions:
Severe combined immunodeficiency due to DNA-PKcs deficiency. Also called: IMMUNODEFICIENCY 26 WITH NEUROLOGIC ABNORMALITIES; Immunodeficiency 26 with or without neurologic abnormalities. Identifiers: Orphanet 317425, MedGen C4014833, MONDO:0014423, OMIM 615966.

Allele frequency attached by ClinVar (database versions not stated): TOPMed below 0.00001.
gnomAD v4.1: 2 of 1,610,344 alleles (0.00012%); highest among the groups gnomAD compares: Non-Finnish European, 0.00017%; no homozygotes.

Submission:

Labcorp Genetics (formerly Invitae), Labcorp
Classification: Uncertain significance for Severe combined immunodeficiency due to DNA-PKcs deficiency. Last evaluated: 2021-10-12. Review status: criteria provided, single submitter. Criteria: Invitae Variant Classification Sherloc (09022015). Collection method: clinical testing. Allele origin: germline.
Comment: This variant is not present in population databases (ExAC no frequency). In summary, the available evidence is currently insufficient to determine the role of this variant in disease. Therefore, it has been classified as a Variant of Uncertain Significance. Experimental studies and prediction algorithms are not available or were not evaluated, and the functional significance of this variant is currently unknown. This variant has not been reported in the literature in individuals affected with PRKDC-related conditions. This sequence change replaces threonine with asparagine at codon 2063 of the PRKDC protein (p.Thr2063Asn). The threonine residue is weakly conserved and there is a small physicochemical difference between threonine and asparagine.